The following is an entry in ClinVar:

NM_005247.4(FGF3):c.323C>T (p.Ser108Leu)

Gene: FGF3 (fibroblast growth factor 3; minus strand). Cytogenetic location: 11q13.3.
Variant type: single nucleotide variant.
Coding change: c.323C>T on transcript NM_005247.4 (MANE Select); coding-DNA position 323, C replaced by T.
Protein change: p.Ser108Leu; replaces serine 108 with leucine.
Molecular consequence: missense variant.
Genome position (GRCh38, 1-based): chr11:69,816,321, G>A on the plus strand (C>T on the coding strand, the complement: FGF3 is on the minus strand). VCF-style: chr11-69816321-G-A. GRCh37 (hg19) VCF-style: chr11-69631089-G-A.
Other names: c.323C>T (NM_005247.2); short protein forms S108L.
Identifiers: ClinVar variation 3601126 (VCV003601126.3).
Genomic context (GRCh38, chr11:69,816,321, plus strand): 5'-GATGTGCAGGCCAGACCGCTACTCCGTCAGCGCCCACCCACGTGACAGCCTGGACTCACC[G>A]AAGCATAGAGTCGTCCCCTCTTGTTCATGGCCAGGTACCGCCCGGAGAAGAGACCCCTGA-3'
Protein context (NP_005238.1, residues 98-118): AMNKRGRLYA[Ser108Leu]EHYSAECEFV

ClinVar aggregate classification (germline): Conflicting classifications of pathogenicity. Review status: criteria provided, conflicting classifications (1 of 4 stars). 3 submissions from 3 submitters: Likely pathogenic (2); Uncertain significance (1). Last evaluated 2025-04-17.

Conditions:
FGF3-related disorders.
Deafness with labyrinthine aplasia, microtia, and microdontia. Also called: DEAFNESS WITH LAMM; DEAFNESS, CONGENITAL, WITH LABYRINTHINE APLASIA, MICROTIA, AND MICRODONTIA; Congenital Deafness with Inner Ear Agenesis, Microtia, and Microdontia. Identifiers: Orphanet 90024, MedGen C1853144, MONDO:0012541, OMIM 610706.

gnomAD v4.1: 29 of 1,612,576 alleles (0.0018%); highest among the groups gnomAD compares: African/African-American, 0.0053%; no homozygotes.

Submissions (3):

GeneDx
Classification: Uncertain significance. Last evaluated: 2025-04-17. Review status: criteria provided, single submitter. Criteria: GeneDx Variant Classification Process June 2021. Collection method: clinical testing. Allele origin: germline. Affected: yes.
Comment: In silico analysis supports that this missense variant has a deleterious effect on protein structure/function; Has not been previously published as pathogenic or benign to our knowledge

Institute of Rare Diseases, West China Hospital, Sichuan University
Classification: Likely pathogenic for Deafness with labyrinthine aplasia, microtia, and microdontia. Last evaluated: 2025-01-09. Review status: criteria provided, single submitter. Criteria: ClinGen HL ACMG Specifications v1. Collection method: research. Allele origin: germline. Affected: yes.

Blueprint Genetics
Classification: Likely pathogenic for FGF3-related disorders. Last evaluated: 2024-02-26. Review status: criteria provided, single submitter. Criteria: ACMG Guidelines, 2015. Collection method: clinical testing. Allele origin: germline. Affected: yes. Observed: 5 variant alleles.